The following is an entry in ClinVar:

ClinVar aggregate classification (germline): Uncertain significance. Review status: criteria provided, multiple submitters, no conflicts (2 of 4 stars). 3 submissions from 3 submitters: Uncertain significance (3). Last evaluated 2022-03-14.

Conditions:
Spastic paraplegia. Identifiers: MedGen C0037772, HP:0001258.
Hereditary spastic paraplegia. Also called: Familial spastic paraparesis. Identifiers: Orphanet 685, MedGen C0037773, MONDO:0019064. Disease mechanism: loss of function.

Allele frequency attached by ClinVar (database versions not stated): gnomAD 0.00001.
gnomAD v4.1: 18 of 1,613,594 alleles (0.0011%); highest among the groups gnomAD compares: Non-Finnish European, 0.0015%; no homozygotes.

Submissions (3):

Labcorp Genetics (formerly Invitae), Labcorp
Classification: Uncertain significance for Spastic paraplegia. Last evaluated: 2022-03-14. Review status: criteria provided, single submitter. Criteria: Invitae Variant Classification Sherloc (09022015). Collection method: clinical testing. Allele origin: germline.
Comment: This sequence change replaces glutamic acid, which is acidic and polar, with alanine, which is neutral and non-polar, at codon 344 of the CYP7B1 protein (p.Glu344Ala). This variant is present in population databases (no rsID available, gnomAD 0.01%). This variant has not been reported in the literature in individuals affected with CYP7B1-related conditions. ClinVar contains an entry for this variant (Variation ID: 373563). Algorithms developed to predict the effect of missense changes on protein structure and function (SIFT, PolyPhen-2, Align-GVGD) all suggest that this variant is likely to be disruptive. In summary, the available evidence is currently insufficient to determine the role of this variant in disease. Therefore, it has been classified as a Variant of Uncertain Significance.

Genome Diagnostics Laboratory, The Hospital for Sick Children
Classification: Uncertain significance for Hereditary spastic paraplegia. Last evaluated: 2016-12-12. Review status: criteria provided, single submitter. Criteria: ACMG Guidelines, 2015. Collection method: clinical testing. Allele origin: germline. Affected: yes.

GeneDx
Classification: Uncertain significance. Last evaluated: 2016-12-02. Review status: criteria provided, single submitter. Criteria: GeneDx Variant Classification (06012015). Collection method: clinical testing. Allele origin: germline. Affected: yes.
Comment: The E344A variant in the CYP7B1 gene has not been reported previously as a pathogenic variant, nor as a benign variant, to our knowledge. The E344A variant was not observed in approximately 6,500 individuals of European and African American ancestry in the NHLBI Exome Sequencing Project, indicating it is not a common benign variant in these populations. The E344A variant is a non-conservative amino acid substitution, which is likely to impact secondary protein structure as these residues differ in polarity, charge, size and/or other properties. This substitution occurs at a position where amino acids with similar properties to Glutamic acid are tolerated across species. In silico analysis predicts this variant is probably damaging to the protein structure/function. We interpret E344A as a variant of uncertain significance.

NM_004820.5(CYP7B1):c.1031A>C (p.Glu344Ala)

Gene: CYP7B1 (cytochrome P450 family 7 subfamily B member 1; minus strand). Cytogenetic location: 8q12.3.
Variant type: single nucleotide variant.
Coding change: c.1031A>C on transcript NM_004820.5 (MANE Select); coding-DNA position 1031, A replaced by C.
Protein change: p.Glu344Ala; replaces glutamic acid 344 with alanine.
Molecular consequence: missense variant.
Genome position (GRCh38, 1-based): chr8:64,615,052, T>G on the plus strand (A>C on the coding strand, the complement: CYP7B1 is on the minus strand). VCF-style: chr8-64615052-T-G. GRCh37 (hg19) VCF-style: chr8-65527609-T-G.
Other names: c.1031A>C, p.Glu344Ala (NM_001324112.2); short protein forms E344A.
Identifiers: ClinVar variation 373563 (VCV000373563.6), dbSNP rs1057518485, ClinGen allele CA16042745.